The following is an entry in ClinVar:

ClinVar aggregate classification (germline): Uncertain significance (1 of 4 stars; one submission).

Conditions:
Inborn genetic diseases. Identifiers: MedGen C0950123, MeSH D030342.

Allele frequency attached by ClinVar (database versions not stated): gnomAD exomes below 0.00001.
gnomAD v4.1: 1 of 1,613,454 alleles (0.000062%); highest among the groups gnomAD compares: Non-Finnish European, 0.000085%; no homozygotes.

Submission:

Ambry Genetics
Classification: Uncertain significance for Inborn genetic diseases. Last evaluated: 2022-06-28. Review status: criteria provided, single submitter. Criteria: Ambry Variant Classification Scheme 2023. Collection method: clinical testing. Allele origin: germline.
Comment: The p.D2372E variant (also known as c.7116T>A), located in coding exon 42 of the ATR gene, results from a T to A substitution at nucleotide position 7116. The aspartic acid at codon 2372 is replaced by glutamic acid, an amino acid with highly similar properties. This amino acid position is conserved. In addition, this alteration is predicted to be tolerated by in silico analysis. Since supporting evidence is limited at this time, the clinical significance of this alteration remains unclear.

NM_001184.4(ATR):c.7116T>A (p.Asp2372Glu)

Gene: ATR (ATR checkpoint kinase; minus strand). Cytogenetic location: 3q23.
Variant type: single nucleotide variant.
Coding change: c.7116T>A on transcript NM_001184.4 (MANE Select); coding-DNA position 7116, T replaced by A.
Protein change: p.Asp2372Glu; replaces aspartic acid 2372 with glutamic acid.
Molecular consequence: missense variant.
Genome position (GRCh38, 1-based): chr3:142,462,016, A>T on the plus strand (T>A on the coding strand, the complement: ATR is on the minus strand). VCF-style: chr3-142462016-A-T. GRCh37 (hg19) VCF-style: chr3-142180858-A-T.
Other names: c.6924T>A, p.Asp2308Glu (NM_001354579.2); short protein forms D2308E, D2372E.
Identifiers: ClinVar variation 1757238 (VCV001757238.2), dbSNP rs1407465447, ClinGen allele CA354799622.
Genomic context (GRCh38, chr3:142,462,016, plus strand): 5'-TTTGGTCAGAATAGGTCTCAAACCAGCAGTGTTGTTCACCCATTCAATAATCCCACATTC[A>T]TCATTTAGTGGAATAACTGCATATGTTCGAATATGAAGTTCTCTTCTACGAGACTCTGCA-3'
Protein context (NP_001175.2, residues 2362-2382): IRTYAVIPLN[Asp2372Glu]ECGIIEWVNN